The following is an entry in ClinVar:

NC_000023.10:g.(?_123480147)_(123480649_?)del

Gene: SH2D1A (SH2 domain containing 1A; plus strand). Cytogenetic location: Xq25.
Variant type: Deletion.
Identifiers: ClinVar variation 1076142 (VCV001076142.6).

ClinVar aggregate classification (germline): Pathogenic (1 of 4 stars; one submission).

Conditions:
X-linked lymphoproliferative disease due to SH2D1A deficiency (XLP1). Also called: PURTILO SYNDROME; EBV infection severe susceptibility to; Epstein Barr virus infection familial fatal; Duncan's syndrome; DUNCAN DISEASE; IMMUNODEFICIENCY 5. Identifiers: Orphanet 2442, Orphanet 538931, MedGen C5399825, MONDO:0024551, OMIM 308240.

Submission:

Labcorp Genetics (formerly Invitae), Labcorp
Classification: Pathogenic for X-linked lymphoproliferative disease due to SH2D1A deficiency. Last evaluated: 2023-02-11. Review status: criteria provided, single submitter. Criteria: Invitae Variant Classification Sherloc (09022015). Collection method: clinical testing. Allele origin: germline.
Comment: This variant is a gross deletion of the genomic region encompassing exon(s) 1 of the SH2D1A gene, which includes the initiator codon. This deletion extends beyond the assayed region for this gene and therefore may encompass additional genes. It is expected to result in an absent or disrupted protein product. Loss-of-function variants in SH2D1A are known to be pathogenic (PMID: 9771704, 11049992, 15711562). A similar copy number variant has been observed in individual(s) with clinical features of X-linked recessive lymphoproliferative syndrome (PMID: 10556288, 11159547). For these reasons, this variant has been classified as Pathogenic.

Literature cited by the submitters: PubMed 9771704; PubMed 11049992; PubMed 15711562; PubMed 10556288; PubMed 11159547.